The following is an entry in ClinVar:

ClinVar aggregate classification (germline): Uncertain significance. Review status: criteria provided, multiple submitters, no conflicts (2 of 4 stars). 2 submissions from 2 submitters: Uncertain significance (2). Last evaluated 2023-06-21.

Conditions:
Neurofibromatosis, type 1 (NF1). Also called: Peripheral type neurofibromatosis; VON RECKLINGHAUSEN DISEASE; NEUROFIBROMATOSIS, TYPE I, SOMATIC; Neurofibromatosis, type I. Identifiers: Orphanet 636, MedGen C0027831, MONDO:0018975, OMIM 162200. Disease mechanism: loss of function.

Allele frequency attached by ClinVar (database versions not stated): TOPMed below 0.00001.

Submissions (2):

GeneDx
Classification: Uncertain significance. Last evaluated: 2023-06-21. Review status: criteria provided, single submitter. Criteria: GeneDx Variant Classification Process June 2021. Collection method: clinical testing. Allele origin: germline. Affected: yes.
Comment: Not observed at significant frequency in large population cohorts (gnomAD); In silico analysis supports that this missense variant has a deleterious effect on protein structure/function; Has not been previously published as pathogenic or benign to our knowledge; This variant is associated with the following publications: (PMID: 25486365, 2121369)

Labcorp Genetics (formerly Invitae), Labcorp
Classification: Uncertain significance for Neurofibromatosis, type 1. Last evaluated: 2023-06-14. Review status: criteria provided, single submitter. Criteria: Invitae Variant Classification Sherloc (09022015). Collection method: clinical testing. Allele origin: germline.
Comment: In summary, the available evidence is currently insufficient to determine the role of this variant in disease. Therefore, it has been classified as a Variant of Uncertain Significance. Advanced modeling of protein sequence and biophysical properties (such as structural, functional, and spatial information, amino acid conservation, physicochemical variation, residue mobility, and thermodynamic stability) performed at Invitae indicates that this missense variant is expected to disrupt NF1 protein function. This variant has not been reported in the literature in individuals affected with NF1-related conditions. This variant is not present in population databases (gnomAD no frequency). This sequence change replaces aspartic acid, which is acidic and polar, with valine, which is neutral and non-polar, at codon 1091 of the NF1 protein (p.Asp1091Val).

NM_001042492.3(NF1):c.3272A>T (p.Asp1091Val)

Gene: NF1 (neurofibromin 1; plus strand). Cytogenetic location: 17q11.2.
Variant type: single nucleotide variant.
Coding change: c.3272A>T on transcript NM_001042492.3 (MANE Select); coding-DNA position 3272, A replaced by T.
Protein change: p.Asp1091Val; replaces aspartic acid 1091 with valine.
Molecular consequence: missense variant.
Genome position (GRCh38, 1-based): chr17:31,232,147, A>T. VCF-style: chr17-31232147-A-T. GRCh37 (hg19) VCF-style: chr17-29559165-A-T.
Other names: c.3272A>T, p.Asp1091Val (NM_000267.4); short protein forms D1091V.
Identifiers: ClinVar variation 2713634 (VCV002713634.4), dbSNP rs2067123751, ClinGen allele CA398988847.